The following is an entry in ClinVar:

ClinVar aggregate classification (germline): Conflicting classifications of pathogenicity. Review status: criteria provided, conflicting classifications (1 of 4 stars). 4 submissions from 4 submitters: Uncertain significance (1); Likely benign (2). 1 of the submissions does not count toward it. Last evaluated 2026-01-24.

Conditions:
Alport syndrome. Also called: Hemorrhagic familial nephritis; Hemorrhagic hereditary nephritis; Congenital hereditary hematuria. Identifiers: Orphanet 63, MedGen C1567741, MONDO:0018965.

Allele frequency attached by ClinVar (database versions not stated): gnomAD exomes below 0.00001; ExAC 0.00001; gnomAD 0.00001; TOPMed 0.00002.
gnomAD v4.1: 13 of 1,614,028 alleles (0.00081%); highest among the groups gnomAD compares: East Asian, 0.0089%; no homozygotes.

Submissions (4):

Labcorp Genetics (formerly Invitae), Labcorp
Classification: Likely benign. Last evaluated: 2026-01-24. Review status: criteria provided, single submitter. Criteria: Invitae Variant Classification Sherloc (09022015). Collection method: clinical testing. Allele origin: germline.

GeneDx
Classification: Uncertain significance. Last evaluated: 2025-07-02. Review status: criteria provided, single submitter. Criteria: GeneDx Variant Classification Process June 2021. Collection method: clinical testing. Allele origin: germline.
Comment: Not observed at significant frequency in large population cohorts (gnomAD); In silico analysis suggests that this variant does not alter splicing; Has not been previously published as pathogenic or benign to our knowledge

Blueprint Genetics
Classification: Likely benign. Last evaluated: 2024-04-08. Review status: criteria provided, single submitter. Criteria: ACMG Guidelines, 2015. Collection method: clinical testing. Allele origin: germline.

Natera, Inc.
Classification: Likely benign for Alport syndrome. Last evaluated: 2020-01-08. Review status: no assertion criteria provided. Collection method: clinical testing. Allele origin: germline. Not counted in ClinVar's aggregate classification.

NM_000091.5(COL4A3):c.1674C>T (p.Leu558=)

Genes: COL4A3 (collagen type IV alpha 3 chain; plus strand), MFF-DT (MFF divergent transcript; minus strand). Cytogenetic location: 2q36.3.
Variant type: single nucleotide variant.
Coding change: c.1674C>T on transcript NM_000091.5 (MANE Select); coding-DNA position 1674, C replaced by T.
Protein change: p.Leu558=; no amino-acid change (leucine 558 retained).
Molecular consequence: synonymous variant.
Genome position (GRCh38, 1-based): chr2:227,270,868, C>T. VCF-style: chr2-227270868-C-T. GRCh37 (hg19) VCF-style: chr2-228135584-C-T.
Identifiers: ClinVar variation 763588 (VCV000763588.13), dbSNP rs762241502, ClinGen allele CA2146735.